The following is an entry in ClinVar:

NM_000466.3(PEX1):c.1916A>T (p.Asn639Ile)

Gene: PEX1 (peroxisomal biogenesis factor 1; minus strand). Cytogenetic location: 7q21.2.
Variant type: single nucleotide variant.
Coding change: c.1916A>T on transcript NM_000466.3 (MANE Select); coding-DNA position 1916, A replaced by T.
Protein change: p.Asn639Ile; replaces asparagine 639 with isoleucine.
Molecular consequence: missense variant. On other transcripts: intron variant (1).
Genome position (GRCh38, 1-based): chr7:92,504,887, T>A on the plus strand (A>T on the coding strand, the complement: PEX1 is on the minus strand). VCF-style: chr7-92504887-T-A. GRCh37 (hg19) VCF-style: chr7-92134201-T-A.
Other names: c.1292A>T, p.Asn431Ile (NM_001282678.2); c.1900+1361A>T (NM_001282677.2); short protein forms N431I, N639I.
Identifiers: ClinVar variation 1492832 (VCV001492832.5), dbSNP rs200438144, ClinGen allele CA161964779.

ClinVar aggregate classification (germline): Uncertain significance (1 of 4 stars; one submission).

Conditions:
Zellweger spectrum disorders (ZS). Also called: Zellweger syndrome; Zellweger Spectrum Disorder (ZSD); Zellweger Spectrum Disorder; Zellweger Spectrum. Identifiers: Orphanet 912, MedGen C0043459, MONDO:0019609.

Allele frequency attached by ClinVar (database versions not stated): gnomAD 0.00001; gnomAD exomes 0.00001; TOPMed 0.00001.
gnomAD v4.1: 15 of 1,613,002 alleles (0.00093%); highest among the groups gnomAD compares: Non-Finnish European, 0.0013%; no homozygotes.

Submission:

Labcorp Genetics (formerly Invitae), Labcorp
Classification: Uncertain significance for Zellweger spectrum disorders. Last evaluated: 2021-10-14. Review status: criteria provided, single submitter. Criteria: Invitae Variant Classification Sherloc (09022015). Collection method: clinical testing. Allele origin: germline.
Comment: This sequence change replaces asparagine with isoleucine at codon 639 of the PEX1 protein (p.Asn639Ile). The asparagine residue is weakly conserved and there is a large physicochemical difference between asparagine and isoleucine. This variant is not present in population databases (ExAC no frequency). This variant has not been reported in the literature in individuals affected with PEX1-related conditions. Advanced modeling of protein sequence and biophysical properties (such as structural, functional, and spatial information, amino acid conservation, physicochemical variation, residue mobility, and thermodynamic stability) performed at Invitae indicates that this missense variant is not expected to disrupt PEX1 protein function. In summary, the available evidence is currently insufficient to determine the role of this variant in disease. Therefore, it has been classified as a Variant of Uncertain Significance.